The following is an entry in ClinVar:

ClinVar aggregate classification (germline): Uncertain significance. Review status: criteria provided, multiple submitters, no conflicts (2 of 4 stars). 4 submissions from 4 submitters: Uncertain significance (4). Last evaluated 2025-12-29.

Conditions:
Hereditary cancer-predisposing syndrome. Also called: Neoplastic Syndromes, Hereditary; Hereditary neoplastic syndrome; Tumor predisposition; Hereditary Cancer Syndrome. Identifiers: Orphanet 140162, MedGen C0027672, MeSH D009386, MONDO:0015356.
Birt-Hogg-Dube syndrome. Also called: Birt Hogg Dubé syndrome. Identifiers: Orphanet 122, MedGen C0346010, MONDO:0800444.

Allele frequency attached by ClinVar (database versions not stated): TOPMed 0.00001; gnomAD 0.00003.
gnomAD v4.1: 7 of 1,605,566 alleles (0.00044%); highest among the groups gnomAD compares: Non-Finnish European, 0.0006%; no homozygotes.

Submissions (4):

Labcorp Genetics (formerly Invitae), Labcorp
Classification: Uncertain significance for Birt-Hogg-Dube syndrome. Last evaluated: 2025-12-29. Review status: criteria provided, single submitter. Criteria: Invitae Variant Classification Sherloc (09022015). Collection method: clinical testing. Allele origin: germline.
Comment: This sequence change replaces phenylalanine, which is neutral and non-polar, with leucine, which is neutral and non-polar, at codon 143 of the FLCN protein (p.Phe143Leu). This variant is present in population databases (no rsID available, gnomAD 0.007%). This variant has not been reported in the literature in individuals affected with FLCN-related conditions. ClinVar contains an entry for this variant (Variation ID: 388510). Invitae Evidence Modeling of protein sequence and biophysical properties (such as structural, functional, and spatial information, amino acid conservation, physicochemical variation, residue mobility, and thermodynamic stability) indicates that this missense variant is expected to disrupt FLCN protein function with a positive predictive value of 80%. In summary, the available evidence is currently insufficient to determine the role of this variant in disease. Therefore, it has been classified as a Variant of Uncertain Significance.

Ambry Genetics
Classification: Uncertain significance for Hereditary cancer-predisposing syndrome. Last evaluated: 2025-09-11. Review status: criteria provided, single submitter. Criteria: Ambry Variant Classification Scheme 2023. Collection method: clinical testing. Allele origin: germline.
Comment: The p.F143L variant (also known as c.429C>G), located in coding exon 3 of the FLCN gene, results from a C to G substitution at nucleotide position 429. The phenylalanine at codon 143 is replaced by leucine, an amino acid with highly similar properties. This variant was not reported in population based cohorts in the following databases: Database of Single Nucleotide Polymorphisms (dbSNP), NHLBI Exome Sequencing Project (ESP), and 1000 Genomes Project. In the ESP, this variant was not observed in 6503 samples (13006 alleles) with coverage at this position. To date, this alteration has been detected with an allele frequency of approximately 0.006% (greater than 20000 alleles tested) in our clinical cohort. This amino acid position is highly conserved in available vertebrate species. In addition, this alteration is predicted to be deleterious by in silico analysis. Since supporting evidence is limited at this time, the clinical significance of this alteration remains unclear.

Quest Diagnostics Nichols Institute San Juan Capistrano
Classification: Uncertain significance. Last evaluated: 2024-05-08. Review status: criteria provided, single submitter. Criteria: Quest Diagnostics criteria. Collection method: clinical testing. Allele origin: unknown.
Comment: The FLCN c.429C>G (p.Phe143Leu) variant has not been reported in individuals with FLCN-related conditions in the published literature. The frequency of this variant in the general population, 0.000032 (1/31410 chromosomes (Genome Aggregation Database)), is uninformative in the assessment of its pathogenicity. Analysis of this variant using bioinformatics tools for the prediction of the effect of amino acid changes on protein structure and function yielded predictions that this variant is damaging. Based on the available information, we are unable to determine the clinical significance of this variant.

GeneDx
Classification: Uncertain significance. Last evaluated: 2016-08-16. Review status: criteria provided, single submitter. Criteria: GeneDx Variant Classification (06012015). Collection method: clinical testing. Allele origin: germline. Affected: yes.
Comment: This variant is denoted FLCN c.429C>G at the cDNA level, p.Phe143Leu (F143L) at the protein level, and results in the change of a Phenylalanine to a Leucine (TTC>TTG). This variant has not, to our knowledge, been published in the literature as pathogenic or benign. FLCN Phe143Leu was not observed in approximately 6,500 individuals of European and African American ancestry in the NHLBI Exome Sequencing Project, suggesting it is not a common benign variant in these populations. Since Phenylalanine and Leucine share similar properties, this is considered a conservative amino acid substitution. FLCN Phe143Leu occurs at a position that is conserved across species and is not located in a known functional domain. In silico analyses predict that this variant is probably damaging to protein structure and function. Based on currently available evidence, it is unclear whether FLCN Phe143Leu is a pathogenic or benign variant. We consider it to be a variant of uncertain significance.

Literature cited by the submitters: PubMed 38136308 (cited by Quest Diagnostics Nichols Institute San Juan Capistrano).

NM_144997.7(FLCN):c.429C>G (p.Phe143Leu)

Gene: FLCN (folliculin; minus strand). Cytogenetic location: 17p11.2.
Variant type: single nucleotide variant.
Coding change: c.429C>G on transcript NM_144997.7 (MANE Select); coding-DNA position 429, C replaced by G.
Protein change: p.Phe143Leu; replaces phenylalanine 143 with leucine.
Molecular consequence: missense variant.
Genome position (GRCh38, 1-based): chr17:17,224,111, G>C on the plus strand (C>G on the coding strand, the complement: FLCN is on the minus strand). VCF-style: chr17-17224111-G-C. GRCh37 (hg19) VCF-style: chr17-17127425-G-C.
Other names: c.483C>G, p.Phe161Leu (NM_001353229.2); c.429C>G, p.Phe143Leu (NM_001353230.2, NM_001353231.2, NM_144606.7); c.429C>G (LRG_325t1, NM_144997.6); short protein forms F143L, F161L.
Identifiers: ClinVar variation 388510 (VCV000388510.16), dbSNP rs773792624, ClinGen allele CA16608387.